The following is an entry in ClinVar:

NM_001127464.1:c.3722C>T

Gene: ZNF469 (zinc finger protein 469; plus strand).
Variant type: single nucleotide variant.
Identifiers: ClinVar variation 4209133 (VCV004209133.1).

ClinVar aggregate classification (germline): Uncertain significance (1 of 4 stars; one submission).

Conditions:
Cardiovascular phenotype. Identifiers: MedGen CN230736.

Submission:

Ambry Genetics
Classification: Uncertain significance for Cardiovascular phenotype. Last evaluated: 2025-06-15. Review status: criteria provided, single submitter. Criteria: Ambry Variant Classification Scheme 2023. Collection method: clinical testing. Allele origin: germline.
Comment: The p.P1241L variant (also known as c.3722C>T), located in coding exon 2 of the ZNF469 gene, results from a C to T substitution at nucleotide position 3722. The proline at codon 1241 is replaced by leucine, an amino acid with similar properties. This amino acid position is conserved. In addition, this alteration is predicted to be tolerated by in silico analysis. Based on the available evidence, the clinical significance of this variant remains unclear.